The following is an entry in ClinVar:

NM_000264.5(PTCH1):c.1728+1G>T

Gene: PTCH1 (patched 1; minus strand). Cytogenetic location: 9q22.32.
Variant type: single nucleotide variant.
Coding change: c.1728+1G>T on transcript NM_000264.5 (MANE Select); the canonical splice donor site of the intron after coding-DNA position 1728, G replaced by T.
Molecular consequence: splice donor variant.
Genome position (GRCh38, 1-based): chr9:95,476,033, C>A on the plus strand (G>T on the coding strand, the complement: PTCH1 is on the minus strand). VCF-style: chr9-95476033-C-A. GRCh37 (hg19) VCF-style: chr9-98238315-C-A.
Other names: c.1725+1G>T (NM_001083603.3); c.1530+1G>T (NM_001083602.3); c.1572+1G>T (NM_001354918.2); c.1275+1G>T (NM_001083605.3, NM_001083604.3, NM_001083606.3 and 1 more transcripts).
Identifiers: ClinVar variation 3774523 (VCV003774523.1).
Genomic context (GRCh38, chr9:95,476,033, plus strand): 5'-GGGATGCTGGAAGTCAGTGCCCCGTTCAGGATCACCACAGCCTTCATCACCAGAAGCTCA[C>A]CTGGAGGGAGAACGCCCGCAGAGCGGGAATTGGGATTAACGCGGCCATGAAGAAGGCTGT-3'

ClinVar aggregate classification (germline): Pathogenic (1 of 4 stars; one submission).

Conditions:
Basal cell carcinoma, susceptibility to, 1. Also called: BCC1. Identifiers: MedGen C2751544, MONDO:0011556, OMIM 605462.

Submission:

Clinical Genomics Laboratory, Washington University in St. Louis
Classification: Pathogenic for Basal cell carcinoma, susceptibility to, 1. Last evaluated: 2024-07-18. Review status: criteria provided, single submitter. Criteria: Leon-Quintero et al. (Clin Genet. 2025). Collection method: clinical testing. Allele origin: somatic. Affected: yes.
Comment: A PTCH1 c.1728+1G>T variant was identified at an allelic fraction consistent with somatic origin. This variant, to our knowledge, has not been reported in the medical literature and is is absent from the general population (gnomAD v.4.1.0), indicating it is not a common variant. The PTCH1 c.1728+1G>T variant occurs within the canonical splice donor site, which is predicted to cause skipping of the exon, leading to an in-frame transcript. Based on available information and an internally developed protocol informed by the ACMG/AMP guidelines for variant interpretation and gene-specific practices from the ClinGen Criteria Specification Registry (Leon-Quintero FZ et al., PMID: 39434542), the PTCH1 c.1728+1G>T variant is classified as pathogenic